The following is an entry in ClinVar:

ClinVar aggregate classification (germline): Uncertain significance (1 of 4 stars; one submission).

Conditions:
Fanconi anemia (FA). Also called: Fanconi's anemia. Identifiers: Orphanet 84, MedGen C0015625, MeSH D005199, MONDO:0019391.

Submission:

Labcorp Genetics (formerly Invitae), Labcorp
Classification: Uncertain significance for Fanconi anemia. Last evaluated: 2024-10-22. Review status: criteria provided, single submitter. Criteria: Invitae Variant Classification Sherloc (09022015). Collection method: clinical testing. Allele origin: germline.
Comment: This sequence change replaces glycine, which is neutral and non-polar, with valine, which is neutral and non-polar, at codon 1827 of the SLX4 protein (p.Gly1827Val). This variant is not present in population databases (gnomAD no frequency). This variant has not been reported in the literature in individuals affected with SLX4-related conditions. ClinVar contains an entry for this variant (Variation ID: 1352258). An algorithm developed to predict the effect of missense changes on protein structure and function (PolyPhen-2) suggests that this variant is likely to be disruptive. In summary, the available evidence is currently insufficient to determine the role of this variant in disease. Therefore, it has been classified as a Variant of Uncertain Significance.

NM_032444.4(SLX4):c.5480G>T (p.Gly1827Val)

Gene: SLX4 (SLX4 structure-specific endonuclease subunit; minus strand). Cytogenetic location: 16p13.3.
Variant type: single nucleotide variant.
Coding change: c.5480G>T on transcript NM_032444.4 (MANE Select); coding-DNA position 5480, G replaced by T.
Protein change: p.Gly1827Val; replaces glycine 1827 with valine.
Molecular consequence: missense variant.
Genome position (GRCh38, 1-based): chr16:3,582,367, C>A on the plus strand (G>T on the coding strand, the complement: SLX4 is on the minus strand). VCF-style: chr16-3582367-C-A. GRCh37 (hg19) VCF-style: chr16-3632368-C-A.
Other names: short protein forms G1827V.
Identifiers: ClinVar variation 1352258 (VCV001352258.8), dbSNP rs2151115403, ClinGen allele CA394513393.